The following is an entry in ClinVar:

ClinVar aggregate classification (germline): Uncertain significance (1 of 4 stars; one submission).

Conditions:
Leber congenital amaurosis 17 (LCA17). Identifiers: Orphanet 65, MedGen C3715164, MONDO:0014145, OMIM 615360.
Microphthalmia, isolated, with coloboma 6 (MCOPCB6). Also called: MICROPHTHALMIA/COLOBOMA 6; Microphthalmia with coloboma 6, digenic; Microphthalmia with coloboma 6. Identifiers: Orphanet 98938, MedGen C3150968, MONDO:0013376, OMIM 613703.
Isolated microphthalmia 4. Identifiers: Orphanet 2542, MedGen C2751307, MONDO:0013130, OMIM 613094.
Klippel-Feil syndrome 1, autosomal dominant (KFS1). Also called: CERVICAL VERTEBRAL FUSION, AUTOSOMAL DOMINANT. Identifiers: Orphanet 2345, MedGen C1861689, MONDO:0007306, OMIM 118100.

gnomAD v4.1: 1 of 1,499,190 alleles (0.000067%); no homozygotes.

Submission:

Labcorp Genetics (formerly Invitae), Labcorp
Classification: Uncertain significance for Isolated microphthalmia 4; Leber congenital amaurosis 17; Klippel-Feil syndrome 1, autosomal dominant; Microphthalmia, isolated, with coloboma 6. Last evaluated: 2022-07-17. Review status: criteria provided, single submitter. Criteria: Invitae Variant Classification Sherloc (09022015). Collection method: clinical testing. Allele origin: germline.
Comment: Algorithms developed to predict the effect of missense changes on protein structure and function are either unavailable or do not agree on the potential impact of this missense change (SIFT: "Deleterious"; PolyPhen-2: "Benign"; Align-GVGD: "Class C0"). This variant has not been reported in the literature in individuals affected with GDF6-related conditions. This variant is not present in population databases (gnomAD no frequency). This sequence change replaces proline, which is neutral and non-polar, with glutamine, which is neutral and polar, at codon 255 of the GDF6 protein (p.Pro255Gln). In summary, the available evidence is currently insufficient to determine the role of this variant in disease. Therefore, it has been classified as a Variant of Uncertain Significance.

NM_001001557.4(GDF6):c.764C>A (p.Pro255Gln)

Gene: GDF6 (growth differentiation factor 6; minus strand). Cytogenetic location: 8q22.1.
Variant type: single nucleotide variant.
Coding change: c.764C>A on transcript NM_001001557.4 (MANE Select); coding-DNA position 764, C replaced by A.
Protein change: p.Pro255Gln; replaces proline 255 with glutamine.
Molecular consequence: missense variant.
Genome position (GRCh38, 1-based): chr8:96,145,167, G>T on the plus strand (C>A on the coding strand, the complement: GDF6 is on the minus strand). VCF-style: chr8-96145167-G-T. GRCh37 (hg19) VCF-style: chr8-97157395-G-T.
Other names: short protein forms P255Q.
Identifiers: ClinVar variation 1716972 (VCV001716972.5), dbSNP rs762654952, ClinGen allele CA371751913.